The following is an entry in ClinVar:

NM_001267550.2(TTN):c.91852+4C>A

Genes: TTN (titin; minus strand), TTN-AS1 (TTN antisense RNA 1; plus strand). Cytogenetic location: 2q31.2.
Variant type: single nucleotide variant.
Coding change: c.91852+4C>A on transcript NM_001267550.2 (MANE Select); 4 bases into the intron after coding-DNA position 91852, C replaced by A.
Molecular consequence: intron variant.
Genome position (GRCh38, 1-based): chr2:178,549,982, G>T on the plus strand (C>A on the coding strand, the complement: TTN is on the minus strand). VCF-style: chr2-178549982-G-T. GRCh37 (hg19) VCF-style: chr2-179414709-G-T.
Other names: c.64657+4C>A (NM_003319.4); c.65233+4C>A (NM_133437.4); c.65032+4C>A (NM_133432.3); c.84148+4C>A (NM_133378.4); c.86929+4C>A (NM_001256850.1).
Identifiers: ClinVar variation 3812215 (VCV003812215.4), dbSNP rs747427420.

ClinVar aggregate classification (germline): Conflicting classifications of pathogenicity. Review status: criteria provided, conflicting classifications (1 of 4 stars). 4 submissions from 4 submitters: Uncertain significance (3); Likely benign (1). Last evaluated 2025-04-09.

Conditions:
Cardiovascular phenotype. Identifiers: MedGen CN230736.

gnomAD v4.1: 10 of 1,598,270 alleles (0.00063%); highest among the groups gnomAD compares: Admixed American, 0.0017%; no homozygotes.

Submissions (4):

Molecular Diagnostic Laboratory for Inherited Cardiovascular Disease, Montreal Heart Institute
Classification: Uncertain significance for Cardiovascular phenotype. Last evaluated: 2025-04-09. Review status: criteria provided, single submitter. Criteria: ACMG Guidelines, 2015. Collection method: clinical testing. Allele origin: germline. Affected: yes.

Ambry Genetics
Classification: Uncertain significance for Cardiovascular phenotype. Last evaluated: 2024-12-20. Review status: criteria provided, single submitter. Criteria: Ambry Variant Classification Scheme 2023. Collection method: clinical testing. Allele origin: germline.
Comment: The c.64657+4C>A intronic variant results from a C to A substitution 4 nucleotides after coding exon 164 in the TTN gene. This nucleotide position is not well conserved in available vertebrate species. In silico splice site analysis predicts that this alteration will not have any significant effect on splicing. Based on the available evidence, the clinical significance of this variant remains unclear.

Revvity Omics, Revvity
Classification: Uncertain significance. Last evaluated: 2024-10-31. Review status: criteria provided, single submitter. Criteria: ACMG Guidelines, 2015. Collection method: clinical testing. Allele origin: germline.

Blueprint Genetics
Classification: Likely benign. Last evaluated: 2024-02-14. Review status: criteria provided, single submitter. Criteria: ACMG Guidelines, 2015. Collection method: clinical testing. Allele origin: germline.